The following is an entry in ClinVar:

ClinVar aggregate classification (germline): Uncertain significance (1 of 4 stars; one submission).

Conditions:
Joubert syndrome 25 (JBTS25). Identifiers: Orphanet 475, MedGen C4084842, MONDO:0014770, OMIM 616781.

Allele frequency attached by ClinVar (database versions not stated): gnomAD 0.00001; gnomAD exomes 0.00001; TOPMed 0.00002.
gnomAD v4.1: 13 of 1,613,880 alleles (0.00081%); highest among the groups gnomAD compares: South Asian, 0.0033%; no homozygotes.

Submission:

Labcorp Genetics (formerly Invitae), Labcorp
Classification: Uncertain significance for Joubert syndrome 25. Last evaluated: 2024-12-02. Review status: criteria provided, single submitter. Criteria: Invitae Variant Classification Sherloc (09022015). Collection method: clinical testing. Allele origin: germline.
Comment: This sequence change replaces arginine, which is basic and polar, with histidine, which is basic and polar, at codon 229 of the CEP104 protein (p.Arg229His). This variant is present in population databases (no rsID available, gnomAD 0.003%). This variant has not been reported in the literature in individuals affected with CEP104-related conditions. ClinVar contains an entry for this variant (Variation ID: 1518350). An algorithm developed to predict the effect of missense changes on protein structure and function outputs the following: PolyPhen-2: "Benign". The histidine amino acid residue is found in multiple mammalian species, which suggests that this missense change does not adversely affect protein function. In summary, the available evidence is currently insufficient to determine the role of this variant in disease. Therefore, it has been classified as a Variant of Uncertain Significance.

NM_014704.4(CEP104):c.686G>A (p.Arg229His)

Gene: CEP104 (centrosomal protein 104; minus strand). Cytogenetic location: 1p36.32.
Variant type: single nucleotide variant.
Coding change: c.686G>A on transcript NM_014704.4 (MANE Select); coding-DNA position 686, G replaced by A.
Protein change: p.Arg229His; replaces arginine 229 with histidine.
Molecular consequence: missense variant.
Genome position (GRCh38, 1-based): chr1:3,839,657, C>T on the plus strand (G>A on the coding strand, the complement: CEP104 is on the minus strand). VCF-style: chr1-3839657-C-T. GRCh37 (hg19) VCF-style: chr1-3756221-C-T.
Other names: short protein forms R229H.
Identifiers: ClinVar variation 1518350 (VCV001518350.5), dbSNP rs1027030686, ClinGen allele CA17087242.